The following is an entry in ClinVar:

NM_000784.4(CYP27A1):c.867G>A (p.Lys289=)

Gene: CYP27A1 (cytochrome P450 family 27 subfamily A member 1; plus strand). Cytogenetic location: 2q35.
Variant type: single nucleotide variant.
Coding change: c.867G>A on transcript NM_000784.4 (MANE Select); coding-DNA position 867, G replaced by A.
Protein change: p.Lys289=; no amino-acid change (lysine 289 retained).
Molecular consequence: synonymous variant.
Genome position (GRCh38, 1-based): chr2:218,812,946, G>A. VCF-style: chr2-218812946-G-A. GRCh37 (hg19) VCF-style: chr2-219677669-G-A.
Identifiers: ClinVar variation 4983581 (VCV004983581.1).

ClinVar aggregate classification (germline): Likely benign (1 of 4 stars; one submission).

Conditions:
CYP27A1-related disorder. Also called: CYP27A1-related condition.

Submission:

PreventionGenetics, part of Exact Sciences
Classification: Likely benign for CYP27A1-related condition. Last evaluated: 2025-11-18. Review status: criteria provided, single submitter. Criteria: ACMG Guidelines, 2015. Collection method: clinical testing. Allele origin: germline.
Comment: This variant is classified as likely benign based on ACMG/AMP sequence variant interpretation guidelines (Richards et al. 2015 PMID: 25741868, with internal and published modifications).